The following is an entry in ClinVar:

NM_021930.6(RINT1):c.840-20C>G

Gene: RINT1 (RAD50 interactor 1; plus strand). Cytogenetic location: 7q22.3.
Variant type: single nucleotide variant.
Coding change: c.840-20C>G on transcript NM_021930.6 (MANE Select); 20 bases into the intron before coding-DNA position 840, C replaced by G.
Molecular consequence: intron variant.
Genome position (GRCh38, 1-based): chr7:105,548,534, C>G. VCF-style: chr7-105548534-C-G. GRCh37 (hg19) VCF-style: chr7-105188981-C-G.
Other names: c.-180-20C>G (NM_001346600.2); c.-83-22C>G (NM_001346601.2); c.-27-1521C>G (NM_001346603.2); c.606-20C>G (NM_001346599.2).
Identifiers: ClinVar variation 4714164 (VCV004714164.1).

ClinVar aggregate classification (germline): Uncertain significance (1 of 4 stars; one submission).

Submission:

Labcorp Genetics (formerly Invitae), Labcorp
Classification: Uncertain significance. Last evaluated: 2025-03-02. Review status: criteria provided, single submitter. Criteria: Invitae Variant Classification Sherloc (09022015). Collection method: clinical testing. Allele origin: germline.
Comment: This sequence change falls in intron 6 of the RINT1 gene. It does not directly change the encoded amino acid sequence of the RINT1 protein. This variant is not present in population databases (gnomAD no frequency). This variant has not been reported in the literature in individuals affected with RINT1-related conditions. Algorithms developed to predict the effect of sequence changes on RNA splicing suggest that this variant may disrupt the consensus splice site. In summary, the available evidence is currently insufficient to determine the role of this variant in disease. Therefore, it has been classified as a Variant of Uncertain Significance.